The following is an entry in ClinVar:

ClinVar aggregate classification (germline): Uncertain significance (1 of 4 stars; one submission).

Submission:

GeneDx
Classification: Uncertain significance. Last evaluated: 2024-09-20. Review status: criteria provided, single submitter. Criteria: GeneDx Variant Classification Process June 2021. Collection method: clinical testing. Allele origin: germline. Affected: yes.
Comment: Not observed at significant frequency in large population cohorts (gnomAD); In silico analysis indicates that this missense variant does not alter protein structure/function; Has not been previously published as pathogenic or benign to our knowledge

NM_016180.5(SLC45A2):c.436A>C (p.Met146Leu)

Gene: SLC45A2 (solute carrier family 45 member 2; minus strand). Cytogenetic location: 5p13.2.
Variant type: single nucleotide variant.
Coding change: c.436A>C on transcript NM_016180.5 (MANE Select); coding-DNA position 436, A replaced by C.
Protein change: p.Met146Leu; replaces methionine 146 with leucine.
Molecular consequence: missense variant.
Genome position (GRCh38, 1-based): chr5:33,982,362, T>G on the plus strand (A>C on the coding strand, the complement: SLC45A2 is on the minus strand). VCF-style: chr5-33982362-T-G. GRCh37 (hg19) VCF-style: chr5-33982467-T-G.
Other names: c.436A>C, p.Met146Leu (NM_001012509.4, NM_001297417.4); short protein forms M146L.
Identifiers: ClinVar variation 3774106 (VCV003774106.1).
Genomic context (GRCh38, chr5:33,982,362, plus strand): 5'-AGGCTTTGATGGGCCCATCAATGAAGTCGGCAGCAAAATCAAAGAGAACGACACCTATCA[T>G]GGTGACACTTATGGCCCAAACCAGCTTCCTCCTTGGGTTAGCAATCAAAGCTAAAAGAAA-3'
Protein context (NP_057264.4, residues 136-156): RKLVWAISVT[Met146Leu]IGVVLFDFAA